The following is an entry in ClinVar:

ClinVar aggregate classification (germline): Pathogenic. Review status: criteria provided, multiple submitters, no conflicts (2 of 4 stars). 7 submissions from 7 submitters: Pathogenic (4). 3 of the submissions do not count toward it. Last evaluated 2025-04-21.

Conditions:
Complex neurodevelopmental disorder. Identifiers: Orphanet 528084, MedGen C5568766, MONDO:0100038.
Developmental and epileptic encephalopathy, 27 (DEE27). Also called: Epileptic encephalopathy, early infantile, 27; GRIN2B-Related Neurodevelopmental Disorder. Identifiers: Orphanet 3451, MedGen C4015316, MONDO:0014505, OMIM 616139.
Intellectual disability. Also called: intellectual disabilities; Intellectual functioning disability; Intellectual developmental disorder. Identifiers: MedGen C3714756, MeSH D008607, MONDO:0001071, HP:0001249.
Intellectual developmental disorder, autosomal dominant 6, with or without seizures. Also called: GRIN2B-related developmental delay, intellectual disability and autism spectrum disorder; Intellectual disability, autosomal dominant 6. Identifiers: Orphanet 589547, MedGen C3151411, MONDO:0013509, OMIM 613970.

Allele frequency attached by ClinVar (database versions not stated): gnomAD 0.00001; ExAC 0.00001.

Submissions (7):

Women's Health and Genetics/Laboratory Corporation of America, LabCorp
Classification: Pathogenic for Intellectual developmental disorder, autosomal dominant 6, with or without seizures. Last evaluated: 2025-04-21. Review status: criteria provided, single submitter. Criteria: LabCorp Variant Classification Summary - May 2015. Collection method: clinical testing. Allele origin: germline.
Comment: Variant summary: GRIN2B c.1555C>T (p.Arg519X) results in a premature termination codon, predicted to cause a truncation of the encoded protein or absence of the protein due to nonsense mediated decay, which are commonly known mechanisms for disease. The frequency data for this variant in gnomAD is considered unreliable, as metrics indicate poor data quality at this position. c.1555C>T has been observed in the heterozygous state in at least one individual affected with developmental delay, seizures, and abnormal EEG (e.g. Khalaf_2024). The following publication has been ascertained in the context of this evaluation (PMID: 38438125). ClinVar contains an entry for this variant (Variation ID: 391757). Based on the evidence outlined above, the variant was classified as pathogenic.

GeneDx
Classification: Pathogenic. Last evaluated: 2022-12-09. Review status: criteria provided, single submitter. Criteria: GeneDx Variant Classification Process June 2021. Collection method: clinical testing. Allele origin: germline. Affected: yes.
Comment: Nonsense variant predicted to result in protein truncation or nonsense mediated decay in a gene for which loss-of-function is a known mechanism of disease; This variant is associated with the following publications: (PMID: 27824329, 31981491, 33043365, 33004838)

Diagnostic Laboratory, Strasbourg University Hospital
Classification: Pathogenic for Intellectual disability. Last evaluated: 2020-09-10. Review status: criteria provided, single submitter. Criteria: ACMG Guidelines, 2015. Collection method: clinical testing. Allele origin: de novo. Affected: yes. Observed: 1 heterozygote.

Neuberg Centre For Genomic Medicine, NCGM
Classification: Pathogenic for Developmental and epileptic encephalopathy, 27. Review status: criteria provided, single submitter. Criteria: ACMG Guidelines, 2015. Collection method: clinical testing. Allele origin: germline. Affected: yes.
Comment: The stop gained p.R519* in GRIN2B (NM_000834.5) has been submitted to ClinVar as Pathogenic by multiple submitters but no details are available for independent assesment. It has not been reported in literature in affected individuals. It is novel (not in any individuals) in gnomAD Exomes. This variant is predicted to cause loss of normal protein function through protein truncation. Loss of function mutations have been previously reported to be disease causing. For these reasons, this variant has been classified as Pathogenic.

Centre de Biologie Pathologie Génétique, Centre Hospitalier Universitaire de Lille
Classification: Pathogenic for Mental retardation, autosomal dominant 6. Last evaluated: 2019-01-01. Review status: no assertion criteria provided. Collection method: clinical testing. Allele origin: de novo. Affected: yes. Not counted in ClinVar's aggregate classification.

Genome Diagnostics Laboratory, Amsterdam University Medical Center
Classification: Pathogenic. Review status: no assertion criteria provided. Collection method: clinical testing. Allele origin: germline. Affected: yes. Study: VKGL Data-share Consensus. Not counted in ClinVar's aggregate classification.

Joint Genome Diagnostic Labs from Nijmegen and Maastricht, Radboudumc and MUMC+
Classification: Likely pathogenic. Review status: no assertion criteria provided. Collection method: clinical testing. Allele origin: germline. Affected: yes. Study: VKGL Data-share Consensus. Not counted in ClinVar's aggregate classification.

Literature cited by the submitters: PubMed 38438125 (cited by Women's Health and Genetics/Laboratory Corporation of America, LabCorp).

NM_000834.5(GRIN2B):c.1555C>T (p.Arg519Ter)

Gene: GRIN2B (glutamate ionotropic receptor NMDA type subunit 2B; minus strand). Cytogenetic location: 12p13.1.
Variant type: single nucleotide variant.
Coding change: c.1555C>T on transcript NM_000834.5 (MANE Select); coding-DNA position 1555, C replaced by T.
Protein change: p.Arg519Ter; replaces arginine 519 with a stop codon.
Molecular consequence: nonsense.
Genome position (GRCh38, 1-based): chr12:13,615,213, G>A on the plus strand (C>T on the coding strand, the complement: GRIN2B is on the minus strand). VCF-style: chr12-13615213-G-A. GRCh37 (hg19) VCF-style: chr12-13768147-G-A.
Other names: short protein forms R519*.
Identifiers: ClinVar variation 391757 (VCV000391757.15), dbSNP rs774592932, ClinGen allele CA6461220.